The following is an entry in ClinVar:

NM_001130965.3(SUN1):c.2348C>A (p.Pro783His)

Gene: SUN1 (Sad1 and UNC84 domain containing 1; plus strand). Cytogenetic location: 7p22.3.
Variant type: single nucleotide variant.
Coding change: c.2348C>A on transcript NM_001130965.3 (MANE Select); coding-DNA position 2348, C replaced by A.
Protein change: p.Pro783His; replaces proline 783 with histidine.
Molecular consequence: missense variant. On other transcripts: non-coding transcript variant (3), 3 prime UTR variant (1).
Genome position (GRCh38, 1-based): chr7:873,321, C>A. VCF-style: chr7-873321-C-A. GRCh37 (hg19) VCF-style: chr7-912958-C-A.
Other names: c.2039C>A, p.Pro680His (NM_001171944.2); c.2348C>A, p.Pro783His (NM_001367633.1, NM_001367634.1); c.1997C>A, p.Pro666His (NM_001367635.1); c.2495C>A, p.Pro832His (NM_001367636.1); c.2456C>A, p.Pro819His (NM_001367638.1); c.1889C>A, p.Pro630His (NM_001367639.1); c.2528C>A, p.Pro843His (NM_001367640.1); c.2630C>A, p.Pro877His (NM_001367641.1); and 56 more; short protein forms P783H, P545H, P727H, P751H, P766H, P789H, P792H, P796H.
Identifiers: ClinVar variation 570996 (VCV000570996.10), dbSNP rs755364227, ClinGen allele CA4112567.

ClinVar aggregate classification (germline): Uncertain significance (1 of 4 stars; one submission).

Conditions:
Emery-Dreifuss muscular dystrophy (EDMD). Also called: Scapuloperoneal syndrome, X-linked (formerly); Humeroperoneal neuromuscular disease, (formerly). Identifiers: Orphanet 261, MedGen C0410189, MONDO:0016830.

Allele frequency attached by ClinVar (database versions not stated): TOPMed below 0.00001; gnomAD 0.00001 and 0.00002; gnomAD exomes 0.00001; ExAC 0.00003.
gnomAD v4.1: 9 of 1,613,870 alleles (0.00056%); highest among the groups gnomAD compares: African/African-American, 0.0013%; no homozygotes.

Submission:

Labcorp Genetics (formerly Invitae), Labcorp
Classification: Uncertain significance for Emery-Dreifuss muscular dystrophy. Last evaluated: 2022-03-18. Review status: criteria provided, single submitter. Criteria: Invitae Variant Classification Sherloc (09022015). Collection method: clinical testing. Allele origin: germline.
Comment: ClinVar contains an entry for this variant (Variation ID: 570996). Algorithms developed to predict the effect of missense changes on protein structure and function are either unavailable or do not agree on the potential impact of this missense change (SIFT: "Deleterious"; PolyPhen-2: "Probably Damaging"; Align-GVGD: "Class C0"). In summary, the available evidence is currently insufficient to determine the role of this variant in disease. Therefore, it has been classified as a Variant of Uncertain Significance. This sequence change replaces proline, which is neutral and non-polar, with histidine, which is basic and polar, at codon 783 of the SUN1 protein (p.Pro783His). This variant is present in population databases (rs755364227, gnomAD 0.003%). This variant has not been reported in the literature in individuals affected with SUN1-related conditions.